The following is an entry in ClinVar:

ClinVar aggregate classification (germline): Pathogenic (0 of 4 stars; one submission).

Conditions:
Autosomal recessive spinocerebellar ataxia 2. Also called: CPD III; CEREBELLAR GRANULAR CELL HYPOPLASIA AND MENTAL RETARDATION, CONGENITAL; CEREBELLAR HYPOPLASIA, NONPROGRESSIVE NORMAN TYPE; CEREBELLOPARENCHYMAL DISORDER III. Identifiers: Orphanet 1170, MedGen C1859298, MONDO:0008943, OMIM 213200.

Allele frequency attached by ClinVar (database versions not stated): gnomAD exomes below 0.00001; TOPMed below 0.00001.

Submission:

Lupski Lab, Baylor-Hopkins CMG, Baylor College of Medicine
Classification: Pathogenic for Autosomal recessive spinocerebellar ataxia 2. Review status: no assertion criteria provided. Collection method: research. Allele origin: germline. Inheritance: Autosomal recessive inheritance. Affected: yes.

NM_015160.3(PMPCA):c.64C>T (p.Arg22Trp)

Genes: PMPCA (peptidase, mitochondrial processing subunit alpha; plus strand), LOC130003010 (ATAC-STARR-seq lymphoblastoid active region 29308; plus strand). Cytogenetic location: 9q34.3.
Variant type: single nucleotide variant.
Coding change: c.64C>T on transcript NM_015160.3 (MANE Select); coding-DNA position 64, C replaced by T.
Protein change: p.Arg22Trp; replaces arginine 22 with tryptophan.
Molecular consequence: missense variant. On other transcripts: 5 prime UTR variant (2).
Genome position (GRCh38, 1-based): chr9:136,410,732, C>T. VCF-style: chr9-136410732-C-T. GRCh37 (hg19) VCF-style: chr9-139305184-C-T.
Other names: c.-235C>T (NM_001282944.2, NM_001282946.2); short protein forms R22W.
Identifiers: ClinVar variation 375400 (VCV000375400.1), dbSNP rs1057519454, ClinGen allele CA16044226.